The following is an entry in ClinVar:

NM_001372044.2(SHANK3):c.525C>G (p.Asn175Lys)

Gene: SHANK3 (SH3 and multiple ankyrin repeat domains 3; plus strand). Cytogenetic location: 22q13.33.
Variant type: single nucleotide variant.
Coding change: c.525C>G on transcript NM_001372044.2 (MANE Select); coding-DNA position 525, C replaced by G.
Protein change: p.Asn175Lys; replaces asparagine 175 with lysine.
Molecular consequence: missense variant.
Genome position (GRCh38, 1-based): chr22:50,676,654, C>G. VCF-style: chr22-50676654-C-G. GRCh37 (hg19) VCF-style: chr22-51115082-C-G.
Other names: c.300C>G, p.Asn100Lys (NM_033517.1); short protein forms N100K, N175K.
Identifiers: ClinVar variation 2630224 (VCV002630224.1), dbSNP rs1253839794, ClinGen allele CA515251973.

ClinVar aggregate classification (germline): Uncertain significance (1 of 4 stars; one submission).

Conditions:
SHANK3-related disorder. Also called: SHANK3-related condition.

Submission:

PreventionGenetics, part of Exact Sciences
Classification: Uncertain significance for SHANK3-related condition. Last evaluated: 2023-02-25. Review status: criteria provided, single submitter. Criteria: ACMG Guidelines, 2015. Collection method: clinical testing. Allele origin: germline.
Comment: The SHANK3 c.300C>G variant is predicted to result in the amino acid substitution p.Asn100Lys. To our knowledge, this variant has not been reported in the literature or in a large population database, indicating this variant is rare. At this time, the clinical significance of this variant is uncertain due to the absence of conclusive functional and genetic evidence.